The following is an entry in ClinVar:

ClinVar aggregate classification (germline): Uncertain significance (1 of 4 stars; one submission).

gnomAD v4.1: 5 of 1,613,046 alleles (0.00031%); highest among the groups gnomAD compares: Non-Finnish European, 0.00034%; no homozygotes.

Submission:

Labcorp Genetics (formerly Invitae), Labcorp
Classification: Uncertain significance. Last evaluated: 2025-08-03. Review status: criteria provided, single submitter. Criteria: Invitae Variant Classification Sherloc (09022015). Collection method: clinical testing. Allele origin: germline.
Comment: This sequence change replaces lysine, which is basic and polar, with arginine, which is basic and polar, at codon 119 of the CASQ1 protein (p.Lys119Arg). This variant is not present in population databases (gnomAD no frequency). This variant has not been reported in the literature in individuals affected with CASQ1-related conditions. Invitae Evidence Modeling of protein sequence and biophysical properties (such as structural, functional, and spatial information, amino acid conservation, physicochemical variation, residue mobility, and thermodynamic stability) indicates that this missense variant is not expected to disrupt CASQ1 protein function with a negative predictive value of 80%. In summary, the available evidence is currently insufficient to determine the role of this variant in disease. Therefore, it has been classified as a Variant of Uncertain Significance.

NM_001231.5(CASQ1):c.356A>G (p.Lys119Arg)

Gene: CASQ1 (calsequestrin 1; plus strand). Cytogenetic location: 1q23.2.
Variant type: single nucleotide variant.
Coding change: c.356A>G on transcript NM_001231.5 (MANE Select); coding-DNA position 356, A replaced by G.
Protein change: p.Lys119Arg; replaces lysine 119 with arginine.
Molecular consequence: missense variant.
Genome position (GRCh38, 1-based): chr1:160,192,878, A>G. VCF-style: chr1-160192878-A-G. GRCh37 (hg19) VCF-style: chr1-160162668-A-G.
Other names: short protein forms K119R.
Identifiers: ClinVar variation 4704647 (VCV004704647.1).